The following is an entry in ClinVar:

ClinVar aggregate classification (germline): Uncertain significance (1 of 4 stars; one submission).

gnomAD v4.1: 16 of 1,176,286 alleles (0.0014%); highest among the groups gnomAD compares: African/African-American, 0.0018%; no homozygotes.

Submission:

Labcorp Genetics (formerly Invitae), Labcorp
Classification: Uncertain significance. Last evaluated: 2025-10-09. Review status: criteria provided, single submitter. Criteria: Invitae Variant Classification Sherloc (09022015). Collection method: clinical testing. Allele origin: germline.
Comment: This sequence change replaces asparagine, which is neutral and polar, with serine, which is neutral and polar, at codon 545 of the SH3KBP1 protein (p.Asn545Ser). This variant is present in population databases (rs767986829, gnomAD 0.004%). This variant has not been reported in the literature in individuals affected with SH3KBP1-related conditions. An algorithm developed to predict the effect of missense changes on protein structure and function (PolyPhen-2) suggests that this variant is likely to be tolerated. In summary, the available evidence is currently insufficient to determine the role of this variant in disease. Therefore, it has been classified as a Variant of Uncertain Significance.

NM_031892.3(SH3KBP1):c.1634A>G (p.Asn545Ser)

Gene: SH3KBP1 (SH3 domain containing kinase binding protein 1; minus strand). Cytogenetic location: Xp22.12.
Variant type: single nucleotide variant.
Coding change: c.1634A>G on transcript NM_031892.3 (MANE Select); coding-DNA position 1634, A replaced by G.
Protein change: p.Asn545Ser; replaces asparagine 545 with serine.
Molecular consequence: missense variant.
Genome position (GRCh38, 1-based): chrX:19,542,183, T>C on the plus strand (A>G on the coding strand, the complement: SH3KBP1 is on the minus strand). VCF-style: chrX-19542183-T-C. GRCh37 (hg19) VCF-style: chrX-19560301-T-C.
Other names: c.1523A>G, p.Asn508Ser (NM_001024666.3); c.920A>G, p.Asn307Ser (NM_001184960.2); c.1505A>G, p.Asn502Ser (NM_001353890.2); c.1709A>G, p.Asn570Ser (NM_001353891.2); c.1580A>G, p.Asn527Ser (NM_001353892.2); c.1532A>G, p.Asn511Ser (NM_001353893.2); c.1403A>G, p.Asn468Ser (NM_001353894.2); c.1460A>G, p.Asn487Ser (NM_001353895.2); and 4 more; short protein forms N508S, N546S, N443S, N468S, N502S, N545S, N589S, N264S.
Identifiers: ClinVar variation 4695489 (VCV004695489.1).